The following is an entry in ClinVar:

NM_001039.4(SCNN1G):c.1892G>A (p.Arg631His)

Gene: SCNN1G (sodium channel epithelial 1 subunit gamma; plus strand). Cytogenetic location: 16p12.2.
Variant type: single nucleotide variant.
Coding change: c.1892G>A on transcript NM_001039.4 (MANE Select); coding-DNA position 1892, G replaced by A.
Protein change: p.Arg631His; replaces arginine 631 with histidine.
Molecular consequence: missense variant.
Genome position (GRCh38, 1-based): chr16:23,215,411, G>A. VCF-style: chr16-23215411-G-A. GRCh37 (hg19) VCF-style: chr16-23226732-G-A.
Other names: short protein forms R631H.
Identifiers: ClinVar variation 4278741 (VCV004278741.2).

ClinVar aggregate classification (germline): Uncertain significance. Review status: criteria provided, multiple submitters, no conflicts (2 of 4 stars). 2 submissions from 2 submitters: Uncertain significance (2). Last evaluated 2025-09-01.

gnomAD v4.1: 86 of 1,613,842 alleles (0.0053%); highest among the groups gnomAD compares: South Asian, 0.032%; no homozygotes.

Submissions (2):

Labcorp Genetics (formerly Invitae), Labcorp
Classification: Uncertain significance. Last evaluated: 2025-09-01. Review status: criteria provided, single submitter. Criteria: Invitae Variant Classification Sherloc (09022015). Collection method: clinical testing. Allele origin: germline.
Comment: This sequence change replaces arginine, which is basic and polar, with histidine, which is basic and polar, at codon 631 of the SCNN1G protein (p.Arg631His). This variant is present in population databases (rs139283096, gnomAD 0.05%). This variant has not been reported in the literature in individuals affected with SCNN1G-related conditions. An algorithm developed to predict the effect of missense changes on protein structure and function outputs the following: PolyPhen-2: "Benign". The histidine amino acid residue is found in multiple mammalian species, which suggests that this missense change does not adversely affect protein function. In summary, the available evidence is currently insufficient to determine the role of this variant in disease. Therefore, it has been classified as a Variant of Uncertain Significance.

GeneDx
Classification: Uncertain significance. Last evaluated: 2025-03-30. Review status: criteria provided, single submitter. Criteria: GeneDx Variant Classification Process June 2021. Collection method: clinical testing. Allele origin: germline. Affected: yes.
Comment: Observed in two unrelated individuals with hypertension, however evidence in support of pathogenicity for this variant was not provided in the report and functional studies indicated that this variant did not have an impact on Na+ currents (PMID: 10403607); In silico analysis indicates that this missense variant does not alter protein structure/function; This variant is associated with the following publications: (PMID: 10403607)